The following is an entry in ClinVar:

ClinVar aggregate classification (germline): Uncertain significance. Review status: criteria provided, multiple submitters, no conflicts (2 of 4 stars). 3 submissions from 3 submitters: Uncertain significance (3). Last evaluated 2025-11-04.

Allele frequency attached by ClinVar (database versions not stated): gnomAD exomes 0.00003 and 0.00007; gnomAD 0.00004; TOPMed 0.00014.
gnomAD v4.1: 52 of 1,589,422 alleles (0.0033%); highest among the groups gnomAD compares: Admixed American, 0.025%; no homozygotes.

Submissions (3):

Labcorp Genetics (formerly Invitae), Labcorp
Classification: Uncertain significance. Last evaluated: 2025-11-04. Review status: criteria provided, single submitter. Criteria: Invitae Variant Classification Sherloc (09022015). Collection method: clinical testing. Allele origin: germline.
Comment: This sequence change replaces histidine, which is basic and polar, with tyrosine, which is neutral and polar, at codon 1983 of the CEP250 protein (p.His1983Tyr). This variant is present in population databases (no rsID available, gnomAD 0.04%). This variant has not been reported in the literature in individuals affected with CEP250-related conditions. ClinVar contains an entry for this variant (Variation ID: 963317). An algorithm developed to predict the effect of missense changes on protein structure and function (PolyPhen-2) suggests that this variant is likely to be disruptive. In summary, the available evidence is currently insufficient to determine the role of this variant in disease. Therefore, it has been classified as a Variant of Uncertain Significance.

Blueprint Genetics
Classification: Uncertain significance. Last evaluated: 2022-03-02. Review status: criteria provided, single submitter. Criteria: ACMG Guidelines, 2015. Collection method: clinical testing. Allele origin: germline.

Ambry Genetics
Classification: Uncertain significance. Last evaluated: 2021-08-02. Review status: criteria provided, single submitter. Criteria: Ambry Variant Classification Scheme 2023. Collection method: clinical testing. Allele origin: germline.

NM_007186.6(CEP250):c.5947C>T (p.His1983Tyr)

Gene: CEP250 (centrosomal protein 250; plus strand). Cytogenetic location: 20q11.22.
Variant type: single nucleotide variant.
Coding change: c.5947C>T on transcript NM_007186.6 (MANE Select); coding-DNA position 5947, C replaced by T.
Protein change: p.His1983Tyr; replaces histidine 1983 with tyrosine.
Molecular consequence: missense variant.
Genome position (GRCh38, 1-based): chr20:35,504,316, C>T. VCF-style: chr20-35504316-C-T. GRCh37 (hg19) VCF-style: chr20-34092144-C-T.
Other names: c.5947C>T (NM_007186.3); c.4051C>T, p.His1351Tyr (NM_001318219.1); short protein forms H1983Y, H1351Y.
Identifiers: ClinVar variation 963317 (VCV000963317.8), dbSNP rs1013360865, ClinGen allele CA314161361.